The following is an entry in ClinVar:

ClinVar aggregate classification (germline): Uncertain significance (1 of 4 stars; one submission).

Conditions:
Early Myoclonic Encephalopathy. Identifiers: MedGen C0270855.

Allele frequency attached by ClinVar (database versions not stated): gnomAD exomes below 0.00001.
gnomAD v4.1: 1 of 1,538,976 alleles (0.000065%); highest among the groups gnomAD compares: Non-Finnish European, 0.00009%; no homozygotes.

Submission:

Labcorp Genetics (formerly Invitae), Labcorp
Classification: Uncertain significance for Early Myoclonic Encephalopathy. Last evaluated: 2025-12-15. Review status: criteria provided, single submitter. Criteria: Invitae Variant Classification Sherloc (09022015). Collection method: clinical testing. Allele origin: germline.
Comment: This sequence change falls in intron 19 of the JMJD1C gene. It does not directly change the encoded amino acid sequence of the JMJD1C protein. It affects a nucleotide within the consensus splice site. This variant is not present in population databases (gnomAD no frequency). This variant has not been reported in the literature in individuals affected with JMJD1C-related conditions. ClinVar contains an entry for this variant (Variation ID: 2812838). Variants that disrupt the consensus splice site are a relatively common cause of aberrant splicing (PMID: 17576681, 9536098). Algorithms developed to predict the effect of sequence changes on RNA splicing suggest that this variant is not likely to affect RNA splicing. In summary, the available evidence is currently insufficient to determine the role of this variant in disease. Therefore, it has been classified as a Variant of Uncertain Significance.

Literature cited by the submitters: PubMed 17576681; PubMed 9536098.

NM_032776.3(JMJD1C):c.6740-3T>C

Gene: JMJD1C (jumonji domain containing 1C; minus strand). Cytogenetic location: 10q21.3.
Variant type: single nucleotide variant.
Coding change: c.6740-3T>C on transcript NM_032776.3 (MANE Select); 3 bases into the intron before coding-DNA position 6740, T replaced by C.
Molecular consequence: intron variant.
Genome position (GRCh38, 1-based): chr10:63,185,656, A>G on the plus strand (T>C on the coding strand, the complement: JMJD1C is on the minus strand). VCF-style: chr10-63185656-A-G. GRCh37 (hg19) VCF-style: chr10-64945416-A-G.
Other names: c.6083-3T>C (NM_001322258.2, NM_001322254.2); c.6194-3T>C (NM_001318154.2, NM_001282948.2); c.6626-3T>C (NM_001322252.2); c.5876-3T>C (NM_001318153.2).
Identifiers: ClinVar variation 2812838 (VCV002812838.3), dbSNP rs2492354123, ClinGen allele CA2574558775.